The following is an entry in ClinVar:

NM_007055.4(POLR3A):c.3562G>C (p.Val1188Leu)

Gene: POLR3A (RNA polymerase III subunit A; minus strand). Cytogenetic location: 10q22.3.
Variant type: single nucleotide variant.
Coding change: c.3562G>C on transcript NM_007055.4 (MANE Select); coding-DNA position 3562, G replaced by C.
Protein change: p.Val1188Leu; replaces valine 1188 with leucine.
Molecular consequence: missense variant.
Genome position (GRCh38, 1-based): chr10:77,982,685, C>G on the plus strand (G>C on the coding strand, the complement: POLR3A is on the minus strand). VCF-style: chr10-77982685-C-G. GRCh37 (hg19) VCF-style: chr10-79742443-C-G.
Other names: c.3562G>C (NM_007055.3); short protein forms V1188L.
Identifiers: ClinVar variation 1502820 (VCV001502820.7), dbSNP rs140432781, ClinGen allele CA5570796.

ClinVar aggregate classification (germline): Uncertain significance. Review status: criteria provided, multiple submitters, no conflicts (2 of 4 stars). 3 submissions from 3 submitters: Uncertain significance (3). Last evaluated 2025-01-27.

Conditions:
Inborn genetic diseases. Identifiers: MedGen C0950123, MeSH D030342.

Allele frequency attached by ClinVar (database versions not stated): gnomAD 0.00002; ESP Exome Variant Server 0.00008.
gnomAD v4.1: 8 of 1,613,580 alleles (0.0005%); highest among the groups gnomAD compares: African/African-American, 0.004%; no homozygotes.

Submissions (3):

Ambry Genetics
Classification: Uncertain significance for Inborn genetic diseases. Last evaluated: 2025-01-27. Review status: criteria provided, single submitter. Criteria: Ambry Variant Classification Scheme 2023. Collection method: clinical testing. Allele origin: germline.

Blueprint Genetics
Classification: Uncertain significance. Last evaluated: 2024-09-10. Review status: criteria provided, single submitter. Criteria: ACMG Guidelines, 2015. Collection method: clinical testing. Allele origin: germline.

Labcorp Genetics (formerly Invitae), Labcorp
Classification: Uncertain significance. Last evaluated: 2022-04-12. Review status: criteria provided, single submitter. Criteria: Invitae Variant Classification Sherloc (09022015). Collection method: clinical testing. Allele origin: germline.
Comment: This sequence change replaces valine, which is neutral and non-polar, with leucine, which is neutral and non-polar, at codon 1188 of the POLR3A protein (p.Val1188Leu). This variant is present in population databases (rs140432781, gnomAD 0.006%). This variant has not been reported in the literature in individuals affected with POLR3A-related conditions. Algorithms developed to predict the effect of missense changes on protein structure and function (SIFT, PolyPhen-2, Align-GVGD) all suggest that this variant is likely to be tolerated. In summary, the available evidence is currently insufficient to determine the role of this variant in disease. Therefore, it has been classified as a Variant of Uncertain Significance.